The following is an entry in ClinVar:

ClinVar aggregate classification (germline): Benign/Likely benign. Review status: criteria provided, multiple submitters, no conflicts (2 of 4 stars). 5 submissions from 5 submitters: Benign (2); Likely benign (2). 1 of the submissions does not count toward it. Last evaluated 2026-08-01.

Conditions:
WNT5A-related disorder. Also called: WNT5A-related condition.

Allele frequency attached by ClinVar (database versions not stated): 1000 Genomes Project 0.00180; 1000 Genomes Project 30x 0.00219; ESP Exome Variant Server 0.00269; gnomAD exomes 0.00345 and 0.00502; TOPMed 0.00365; gnomAD 0.00373 and 0.00383; ExAC 0.00391.
gnomAD v4.1: 7,840 of 1,610,416 alleles (0.49%); highest among the groups gnomAD compares: Non-Finnish European, 0.57%; 31 homozygotes.

Submissions (5):

CeGaT Center for Human Genetics Tuebingen
Classification: Likely benign. Last evaluated: 2026-08-01. Review status: criteria provided, single submitter. Criteria: CeGaT Center For Human Genetics Tuebingen Variant Classification Criteria Version 2. Collection method: clinical testing. Allele origin: germline. Affected: yes. Observed: 5 variant alleles.
Comment: WNT5A: BP4, BP7, BS2

Labcorp Genetics (formerly Invitae), Labcorp
Classification: Benign. Last evaluated: 2026-02-01. Review status: criteria provided, single submitter. Criteria: Invitae Variant Classification Sherloc (09022015). Collection method: clinical testing. Allele origin: germline.

GeneDx
Classification: Likely benign. Last evaluated: 2019-11-25. Review status: criteria provided, single submitter. Criteria: GeneDx Variant Classification Process June 2021. Collection method: clinical testing. Allele origin: germline. Affected: yes.

Eurofins Ntd Llc (ga)
Classification: Benign. Last evaluated: 2015-04-22. Review status: criteria provided, single submitter. Criteria: EGL Classification Definitions 2015. Collection method: clinical testing. Allele origin: germline. Observed: 1 variant allele, 1 heterozygote.

PreventionGenetics, part of Exact Sciences
Classification: Benign for WNT5A-related condition. Last evaluated: 2019-07-31. Review status: no assertion criteria provided. Collection method: clinical testing. Allele origin: germline. Not counted in ClinVar's aggregate classification.
Comment: This variant is classified as benign based on ACMG/AMP sequence variant interpretation guidelines (Richards et al. 2015 PMID: 25741868, with internal and published modifications).

NM_003392.7(WNT5A):c.588C>T (p.Phe196=)

Gene: WNT5A (Wnt family member 5A; minus strand). Cytogenetic location: 3p14.3.
Variant type: single nucleotide variant.
Coding change: c.588C>T on transcript NM_003392.7 (MANE Select); coding-DNA position 588, C replaced by T.
Protein change: p.Phe196=; no amino-acid change (phenylalanine 196 retained).
Molecular consequence: synonymous variant.
Genome position (GRCh38, 1-based): chr3:55,474,433, G>A on the plus strand (C>T on the coding strand, the complement: WNT5A is on the minus strand). VCF-style: chr3-55474433-G-A. GRCh37 (hg19) VCF-style: chr3-55508461-G-A.
Other names: c.543C>T, p.Phe181= (NM_001256105.1, NM_001377271.1, NM_001377272.1).
Identifiers: ClinVar variation 197214 (VCV000197214.42), dbSNP rs200868061, ClinGen allele CA202750.